The following is an entry in ClinVar:

NM_015378.4(VPS13D):c.14T>C (p.Leu5Pro)

Gene: VPS13D (vacuolar protein sorting 13 homolog D; plus strand). Cytogenetic location: 1p36.22.
Variant type: single nucleotide variant.
Coding change: c.14T>C on transcript NM_015378.4 (MANE Select); coding-DNA position 14, T replaced by C.
Protein change: p.Leu5Pro; replaces leucine 5 with proline.
Molecular consequence: missense variant.
Genome position (GRCh38, 1-based): chr1:12,234,280, T>C. VCF-style: chr1-12234280-T-C. GRCh37 (hg19) VCF-style: chr1-12294337-T-C.
Other names: c.14T>C, p.Leu5Pro (NM_018156.4); c.14T>C (NM_015378.2); short protein forms L5P.
Identifiers: ClinVar variation 1982603 (VCV001982603.5), dbSNP rs763588507, ClinGen allele CA601100.

ClinVar aggregate classification (germline): Uncertain significance. Review status: criteria provided, multiple submitters, no conflicts (2 of 4 stars). 2 submissions from 2 submitters: Uncertain significance (2). Last evaluated 2024-04-12.

Conditions:
Inborn genetic diseases. Identifiers: MedGen C0950123, MeSH D030342.

Allele frequency attached by ClinVar (database versions not stated): gnomAD 0.00001; gnomAD exomes 0.00001; ExAC 0.00002; TOPMed 0.00003.

Submissions (2):

Ambry Genetics
Classification: Uncertain significance for Inborn genetic diseases. Last evaluated: 2024-04-12. Review status: criteria provided, single submitter. Criteria: Ambry Variant Classification Scheme 2023. Collection method: clinical testing. Allele origin: germline.

Labcorp Genetics (formerly Invitae), Labcorp
Classification: Uncertain significance. Last evaluated: 2024-02-20. Review status: criteria provided, single submitter. Criteria: Invitae Variant Classification Sherloc (09022015). Collection method: clinical testing. Allele origin: germline.
Comment: This sequence change replaces leucine, which is neutral and non-polar, with proline, which is neutral and non-polar, at codon 5 of the VPS13D protein (p.Leu5Pro). This variant is present in population databases (rs763588507, gnomAD 0.007%). This variant has not been reported in the literature in individuals affected with VPS13D-related conditions. ClinVar contains an entry for this variant (Variation ID: 1982603). Advanced modeling of protein sequence and biophysical properties (such as structural, functional, and spatial information, amino acid conservation, physicochemical variation, residue mobility, and thermodynamic stability) performed at Invitae indicates that this missense variant is expected to disrupt VPS13D protein function with a positive predictive value of 80%. In summary, the available evidence is currently insufficient to determine the role of this variant in disease. Therefore, it has been classified as a Variant of Uncertain Significance.